The following is an entry in ClinVar:

NM_001374828.1(ARID1B):c.18A>G (p.Ala6=)

Genes: ARID1B (AT-rich interaction domain 1B; plus strand), LOC115308161 (uncharacterized LOC115308161; minus strand), LOC129997522 (ATAC-STARR-seq lymphoblastoid silent region 17709; plus strand). Cytogenetic location: 6q25.3.
Variant type: single nucleotide variant.
Coding change: c.18A>G on transcript NM_001374828.1 (MANE Select); coding-DNA position 18, A replaced by G.
Protein change: p.Ala6=; no amino-acid change (alanine 6 retained).
Molecular consequence: synonymous variant.
Genome position (GRCh38, 1-based): chr6:156,777,698, A>G. VCF-style: chr6-156777698-A-G. GRCh37 (hg19) VCF-style: chr6-157098832-A-G.
Other names: c.18A>G, p.Ala6= (NM_001371656.1, NM_001374820.1, NM_017519.3).
Identifiers: ClinVar variation 3389155 (VCV003389155.14).

ClinVar aggregate classification (germline): Likely benign (1 of 4 stars; one submission).

Submission:

CeGaT Center for Human Genetics Tuebingen
Classification: Likely benign. Last evaluated: 2025-12-01. Review status: criteria provided, single submitter. Criteria: CeGaT Center For Human Genetics Tuebingen Variant Classification Criteria Version 2. Collection method: clinical testing. Allele origin: germline. Affected: yes. Observed: 2 variant alleles.
Comment: ARID1B: BP4, BP7